The following is an entry in ClinVar:

NM_017837.4(PIGV):c.1405C>G (p.Arg469Gly)

Gene: PIGV (phosphatidylinositol glycan anchor biosynthesis class V; plus strand). Cytogenetic location: 1p36.11.
Variant type: single nucleotide variant.
Coding change: c.1405C>G on transcript NM_017837.4 (MANE Select); coding-DNA position 1405, C replaced by G.
Protein change: p.Arg469Gly; replaces arginine 469 with glycine.
Molecular consequence: missense variant. On other transcripts: non-coding transcript variant (2).
Genome position (GRCh38, 1-based): chr1:26,797,767, C>G. VCF-style: chr1-26797767-C-G. GRCh37 (hg19) VCF-style: chr1-27124258-C-G.
Other names: c.1405C>G, p.Arg469Gly (NM_001202554.2, NM_001374478.1, NM_001374480.1 and 2 more transcripts); c.1024C>G, p.Arg342Gly (NM_001374483.1); c.778C>G, p.Arg260Gly (NM_001374484.1, NM_001374485.1); c.283C>G, p.Arg95Gly (NM_001374486.1); c.1405C>G (NM_017837.3); short protein forms R260G, R95G, R342G, R469G.
Identifiers: ClinVar variation 1926507 (VCV001926507.6), dbSNP rs770220740, ClinGen allele CA708223.

ClinVar aggregate classification (germline): Uncertain significance. Review status: criteria provided, multiple submitters, no conflicts (2 of 4 stars). 2 submissions from 2 submitters: Uncertain significance (2). Last evaluated 2025-12-16.

Conditions:
Inborn genetic diseases. Identifiers: MedGen C0950123, MeSH D030342.

gnomAD v4.1: 6 of 1,613,696 alleles (0.00037%); highest among the groups gnomAD compares: Admixed American, 0.005%; no homozygotes.

Submissions (2):

Ambry Genetics
Classification: Uncertain significance for Inborn genetic diseases. Last evaluated: 2025-12-16. Review status: criteria provided, single submitter. Criteria: Ambry Variant Classification Scheme 2023. Collection method: clinical testing. Allele origin: germline.

Labcorp Genetics (formerly Invitae), Labcorp
Classification: Uncertain significance. Last evaluated: 2023-09-29. Review status: criteria provided, single submitter. Criteria: Invitae Variant Classification Sherloc (09022015). Collection method: clinical testing. Allele origin: germline.
Comment: This variant is present in population databases (rs770220740, gnomAD 0.009%). This variant has not been reported in the literature in individuals affected with PIGV-related conditions. ClinVar contains an entry for this variant (Variation ID: 1926507). Advanced modeling of protein sequence and biophysical properties (such as structural, functional, and spatial information, amino acid conservation, physicochemical variation, residue mobility, and thermodynamic stability) performed at Invitae indicates that this missense variant is not expected to disrupt PIGV protein function. In summary, the available evidence is currently insufficient to determine the role of this variant in disease. Therefore, it has been classified as a Variant of Uncertain Significance. This sequence change replaces arginine, which is basic and polar, with glycine, which is neutral and non-polar, at codon 469 of the PIGV protein (p.Arg469Gly).